The following is an entry in ClinVar:

ClinVar aggregate classification (germline): Uncertain significance (1 of 4 stars; one submission).

Allele frequency attached by ClinVar (database versions not stated): gnomAD exomes below 0.00001; TOPMed below 0.00001; gnomAD 0.00001.
gnomAD v4.1: 6 of 1,609,234 alleles (0.00037%); highest among the groups gnomAD compares: Non-Finnish European, 0.00051%; no homozygotes.

Submission:

Labcorp Genetics (formerly Invitae), Labcorp
Classification: Uncertain significance. Last evaluated: 2023-07-19. Review status: criteria provided, single submitter. Criteria: Invitae Variant Classification Sherloc (09022015). Collection method: clinical testing. Allele origin: germline.
Comment: This sequence change replaces threonine, which is neutral and polar, with alanine, which is neutral and non-polar, at codon 366 of the UTP4 protein (p.Thr366Ala). This variant is not present in population databases (gnomAD no frequency). This variant has not been reported in the literature in individuals affected with UTP4-related conditions. Advanced modeling of protein sequence and biophysical properties (such as structural, functional, and spatial information, amino acid conservation, physicochemical variation, residue mobility, and thermodynamic stability) performed at Invitae indicates that this missense variant is not expected to disrupt UTP4 protein function. In summary, the available evidence is currently insufficient to determine the role of this variant in disease. Therefore, it has been classified as a Variant of Uncertain Significance.

NM_032830.3(UTP4):c.1096A>G (p.Thr366Ala)

Gene: UTP4 (UTP4 small subunit processome component). Cytogenetic location: 16q22.1.
Variant type: single nucleotide variant.
Coding change: c.1096A>G on transcript NM_032830.3 (MANE Select); coding-DNA position 1096, A replaced by G.
Protein change: p.Thr366Ala; replaces threonine 366 with alanine.
Molecular consequence: missense variant.
Genome position (GRCh38, 1-based): chr16:69,153,677, A>G. VCF-style: chr16-69153677-A-G. GRCh37 (hg19) VCF-style: chr16-69187580-A-G.
Other names: c.847A>G, p.Thr283Ala (NM_001318391.2); short protein forms T283A, T366A.
Identifiers: ClinVar variation 2776772 (VCV002776772.3), dbSNP rs1331790193, ClinGen allele CA396501893.